The following is an entry in ClinVar:

ClinVar aggregate classification (germline): Uncertain significance (1 of 4 stars; one submission).

Conditions:
Cowden syndrome (CS). Also called: Cowden's disease; Cowden's syndrome; Cowden disease. Identifiers: Orphanet 201, MedGen C0018553, MONDO:0016063. Disease mechanism: gain of function.

Allele frequency attached by ClinVar (database versions not stated): gnomAD exomes below 0.00001; gnomAD 0.00001; ExAC 0.00002; TOPMed 0.00003.
gnomAD v4.1: 5 of 1,612,582 alleles (0.00031%); highest among the groups gnomAD compares: African/African-American, 0.0053%; no homozygotes.

Submission:

Labcorp Genetics (formerly Invitae), Labcorp
Classification: Uncertain significance for Cowden syndrome. Last evaluated: 2023-09-21. Review status: criteria provided, single submitter. Criteria: Invitae Variant Classification Sherloc (09022015). Collection method: clinical testing. Allele origin: germline.
Comment: Advanced modeling of protein sequence and biophysical properties (such as structural, functional, and spatial information, amino acid conservation, physicochemical variation, residue mobility, and thermodynamic stability) has been performed at Invitae for this missense variant, however the output from this modeling did not meet the statistical confidence thresholds required to predict the impact of this variant on PIK3CA protein function. ClinVar contains an entry for this variant (Variation ID: 2041413). This variant has not been reported in the literature in individuals affected with PIK3CA-related conditions. This variant is present in population databases (rs776203240, gnomAD 0.01%). This sequence change replaces tyrosine, which is neutral and polar, with histidine, which is basic and polar, at codon 165 of the PIK3CA protein (p.Tyr165His). In summary, the available evidence is currently insufficient to determine the role of this variant in disease. Therefore, it has been classified as a Variant of Uncertain Significance.

NM_006218.4(PIK3CA):c.493T>C (p.Tyr165His)

Gene: PIK3CA (phosphatidylinositol-4,5-bisphosphate 3-kinase catalytic subunit alpha; plus strand). Cytogenetic location: 3q26.32.
Variant type: single nucleotide variant.
Coding change: c.493T>C on transcript NM_006218.4 (MANE Select); coding-DNA position 493, T replaced by C.
Protein change: p.Tyr165His; replaces tyrosine 165 with histidine.
Molecular consequence: missense variant.
Genome position (GRCh38, 1-based): chr3:179,199,830, T>C. VCF-style: chr3-179199830-T-C. GRCh37 (hg19) VCF-style: chr3-178917618-T-C.
Other names: short protein forms Y165H.
Identifiers: ClinVar variation 2041413 (VCV002041413.4), dbSNP rs776203240, ClinGen allele CA2710547.
Genomic context (GRCh38, chr3:179,199,830, plus strand): 5'-AACGTTTGTAAAGAAGCTGTGGATCTTAGGGACCTCAATTCACCTCATAGTAGAGCAATG[T>C]ATGTCTATCCTCCAAATGTAGAATCTTCACCAGAATTGCCAAAGCACATATATAATAAAT-3'
Protein context (NP_006209.2, residues 155-175): DLNSPHSRAM[Tyr165His]VYPPNVESSP